The following is an entry in ClinVar:

ClinVar aggregate classification (germline): Uncertain significance (1 of 4 stars; one submission).

Submission:

GeneDx
Classification: Uncertain significance. Last evaluated: 2024-07-18. Review status: criteria provided, single submitter. Criteria: GeneDx Variant Classification Process June 2021. Collection method: clinical testing. Allele origin: germline. Affected: yes.
Comment: Not observed at significant frequency in large population cohorts (gnomAD); In silico analysis indicates that this missense variant does not alter protein structure/function; Has not been previously published as pathogenic or benign to our knowledge

NM_152641.4(ARID2):c.4657A>G (p.Met1553Val)

Gene: ARID2 (AT-rich interaction domain 2; plus strand). Cytogenetic location: 12q12.
Variant type: single nucleotide variant.
Coding change: c.4657A>G on transcript NM_152641.4 (MANE Select); coding-DNA position 4657, A replaced by G.
Protein change: p.Met1553Val; replaces methionine 1553 with valine.
Molecular consequence: missense variant.
Genome position (GRCh38, 1-based): chr12:45,852,780, A>G. VCF-style: chr12-45852780-A-G. GRCh37 (hg19) VCF-style: chr12-46246563-A-G.
Other names: c.4657A>G, p.Met1553Val (NM_001347839.2); short protein forms M1553V.
Identifiers: ClinVar variation 3573909 (VCV003573909.1).